The following is an entry in ClinVar:

NM_001429.3(EP300):c.3857A>G

Gene: EP300 (EP300 lysine acetyltransferase; plus strand). Cytogenetic location: 22q13.2.
Variant type: single nucleotide variant.
Coding change: c.3857A>G on transcript NM_001429.3; coding-DNA position 3857, A replaced by G.
Molecular consequence: missense variant (on NM_001429.4).
Genome position (GRCh38, 1-based): chr22:41,166,649, A>G. VCF-style: chr22-41166649-A-G. GRCh37 (hg19) VCF-style: chr22-41562653-A-G.
Other names: c.3779A>G, p.Asn1260Ser (NM_001362843.2); c.3857A>G, p.Asn1286Ser (NM_001429.4); short protein forms N1286S, N1260S.
Identifiers: ClinVar variation 378053 (VCV000378053.23), dbSNP rs1555910821, ClinGen allele CA411698707.

ClinVar aggregate classification (germline): Pathogenic/Likely pathogenic. Review status: criteria provided, multiple submitters, no conflicts (2 of 4 stars). 9 submissions from 9 submitters: Pathogenic (5); Likely pathogenic (2). 2 of the submissions do not count toward it. Last evaluated 2024-04-06.

Conditions:
Intellectual disability. Also called: Intellectual developmental disorder; Intellectual functioning disability; intellectual disabilities. Identifiers: MedGen C3714756, MeSH D008607, MONDO:0001071, HP:0001249.
EP300-related disorder. Also called: EP300-related disorders; EP300-related condition.
Rubinstein-Taybi syndrome due to EP300 haploinsufficiency. Also called: EP300-Related Rubinstein-Taybi Syndrome; RUBINSTEIN-TAYBI SYNDROME 2. Identifiers: Orphanet 353284, Orphanet 783, MedGen C3150941, MONDO:0013364, OMIM 613684.

Submissions (9):

GeneDx
Classification: Pathogenic. Last evaluated: 2024-04-06. Review status: criteria provided, single submitter. Criteria: GeneDx Variant Classification Process June 2021. Collection method: clinical testing. Allele origin: germline. Affected: yes.
Comment: Not observed in large population cohorts (gnomAD); In silico analysis supports that this missense variant has a deleterious effect on protein structure/function; This variant is associated with the following publications: (PMID: 27465822, 32827181, 27648933, 33644862, 31785789)

PreventionGenetics, part of Exact Sciences
Classification: Pathogenic for EP300-related condition. Last evaluated: 2023-08-20. Review status: criteria provided, single submitter. Criteria: ACMG Guidelines, 2015. Collection method: clinical testing. Allele origin: germline.
Comment: The EP300 c.3857A>G variant is predicted to result in the amino acid substitution p.Asn1286Ser. This variant has been reported in multiple individuals with Rubinstein-Taybi syndrome and neurodevelopmental disorders; in most of these individuals, this variant was found to have arise de novo (Fergelot et al 2016. PubMed ID: 27648933; Hamilton MJ et al 2016. PubMed ID: 27465822; Table_S2, Turner TN et al 2019. PubMed ID: 31785789; Cross E et al 2020. PubMed ID: 32827181; Hiraide T et al 2021. PubMed ID: 33644862; Hamilton MJ et al 2016. PubMed ID: 27465822). This variant has not been reported in a large population database, indicating this variant is rare. This variant is interpreted as pathogenic.

3billion
Classification: Pathogenic for Rubinstein-Taybi syndrome due to EP300 haploinsufficiency. Last evaluated: 2022-05-22. Review status: criteria provided, single submitter. Criteria: ACMG Guidelines, 2015. Collection method: clinical testing. Allele origin: germline. Affected: yes. Observed: 1 heterozygote.
Comment: The variant is not observed in the gnomAD v2.1.1 dataset. In silico tool predictions suggest damaging effect of the variant on gene or gene product (REVEL: 0.61; 3Cnet: 0.39). Same nucleotide change resulting in same amino acid change has been previously reported as pathogenic/likely pathogenic with strong evidence (ClinVar ID: VCV000378053). The variant has been observed in at least two similarly affected unrelated individuals (PMID: 27465822, 32827181, 33644862). The variant has been previously reported as assumed (i.e. paternity and maternity not confirmed) de novo in at least one similarly affected unrelated individual (PMID: 27648933). Therefore, this variant is classified as pathogenic according to the recommendation of ACMG/AMP guideline.

Laboratorio de Genetica e Diagnostico Molecular, Hospital Israelita Albert Einstein
Classification: Likely pathogenic. Last evaluated: 2021-09-03. Review status: criteria provided, single submitter. Criteria: ACMG Guidelines, 2015. Collection method: clinical testing. Allele origin: germline. Affected: yes.
Comment: ACMG classification criteria: PS4, PM2, PM6

CENTOGENE GmbH and LLC - Guiding Precision Medicine
Classification: Likely pathogenic for Rubinstein-Taybi syndrome due to EP300 haploinsufficiency. Last evaluated: 2021-08-30. Review status: criteria provided, single submitter. Criteria: ACMG Guidelines, 2015. Collection method: clinical testing. Allele origin: germline. Affected: yes.

Labcorp Genetics (formerly Invitae), Labcorp
Classification: Pathogenic for Rubinstein-Taybi syndrome due to EP300 haploinsufficiency. Last evaluated: 2021-01-29. Review status: criteria provided, single submitter. Criteria: Invitae Variant Classification Sherloc (09022015). Collection method: clinical testing. Allele origin: germline.
Comment: This variant has been observed in individual(s) with Rubinstein–Taybi syndrome (PMID: 27648933, 27465822). In at least one individual the variant was observed to be de novo. ClinVar contains an entry for this variant (Variation ID: 378053). This variant is not present in population databases (ExAC no frequency). This sequence change replaces asparagine with serine at codon 1286 of the EP300 protein (p.Asn1286Ser). The asparagine residue is highly conserved and there is a small physicochemical difference between asparagine and serine. Algorithms developed to predict the effect of missense changes on protein structure and function (SIFT, PolyPhen-2, Align-GVGD) all suggest that this variant is likely to be disruptive, but these predictions have not been confirmed by published functional studies and their clinical significance is uncertain. For these reasons, this variant has been classified as Pathogenic. Algorithms developed to predict the effect of sequence changes on RNA splicing suggest that this variant may create or strengthen a splice site, but this prediction has not been confirmed by published transcriptional studies.

Diagnostic Laboratory, Strasbourg University Hospital
Classification: Pathogenic for Intellectual disability. Last evaluated: 2020-09-10. Review status: criteria provided, single submitter. Criteria: ACMG Guidelines, 2015. Collection method: clinical testing. Allele origin: de novo. Affected: yes. Observed: 1 heterozygote.

Wessex Regional Genetics Laboratory, Salisbury District Hospital
Classification: Likely pathogenic for Rubinstein-Taybi syndrome due to EP300 haploinsufficiency. Last evaluated: 2019-11-05. Review status: no assertion criteria provided. Criteria: ACMG Guidelines, 2015. Collection method: clinical testing. Allele origin: de novo. Inheritance: Autosomal dominant inheritance. Affected: yes. Not counted in ClinVar's aggregate classification.

OMIM
Classification: Pathogenic for RUBINSTEIN-TAYBI SYNDROME 2. Last evaluated: 2019-02-26. Review status: no assertion criteria provided. Collection method: literature only. Allele origin: germline. Not counted in ClinVar's aggregate classification.

Literature cited by the submitters: PubMed 32827181 (cited by 3billion); PubMed 27648933 (cited by 3billion and Labcorp Genetics (formerly Invitae), Labcorp); PubMed 27465822 (cited by 3 submitters); PubMed 33644862 (cited by 3billion).